The following is an entry in ClinVar:

NM_201384.3(PLEC):c.9454G>A (p.Val3152Met)

Gene: PLEC (plectin; minus strand). Cytogenetic location: 8q24.3.
Variant type: single nucleotide variant.
Coding change: c.9454G>A on transcript NM_201384.3 (MANE Select); coding-DNA position 9454, G replaced by A.
Protein change: p.Val3152Met; replaces valine 3152 with methionine.
Molecular consequence: missense variant.
Genome position (GRCh38, 1-based): chr8:143,920,367, C>T on the plus strand (G>A on the coding strand, the complement: PLEC is on the minus strand). VCF-style: chr8-143920367-C-T. GRCh37 (hg19) VCF-style: chr8-144994535-C-T.
Other names: c.9535G>A (NM_000445.3); c.9466G>A, p.Val3156Met (NM_201383.3); c.9535G>A, p.Val3179Met (NM_000445.5); c.9412G>A, p.Val3138Met (NM_201378.4); c.9388G>A, p.Val3130Met (NM_201379.3); c.9865G>A, p.Val3289Met (NM_201380.4); c.9358G>A, p.Val3120Met (NM_201381.3); c.9454G>A, p.Val3152Met (NM_201382.4); short protein forms V3120M, V3138M, V3130M, V3156M, V3289M, V3152M, V3179M.
Identifiers: ClinVar variation 1047462 (VCV001047462.11), dbSNP rs781854050, ClinGen allele CA4924965.
Genomic context (GRCh38, chr8:143,920,367, plus strand): 5'-ACAGGGCCCTGCTGGTCTCCTCATCCAGGCAGCCTCGGGCGCAGGCGACATCCAGGGGCA[C>T]GCGGTGGCTCTTGCTGGGGTCCACGATGCCGCCCGTGGACAGCTGGGCGTCCAACAGGCG-3'
Protein context (NP_958786.1, residues 3142-3162): GIVDPSKSHR[Val3152Met]PLDVACARGC

ClinVar aggregate classification (germline): Uncertain significance. Review status: criteria provided, multiple submitters, no conflicts (2 of 4 stars). 3 submissions from 3 submitters: Uncertain significance (3). Last evaluated 2023-07-13.

Conditions:
Epidermolysis bullosa simplex 5B, with muscular dystrophy (EBS5B). Also called: EPIDERMOLYSIS BULLOSA SIMPLEX AND LIMB-GIRDLE MUSCULAR DYSTROPHY; Epidermolysis bullosa simplex with muscular dystrophy. Identifiers: Orphanet 257, MedGen C2931072, MONDO:0009181, OMIM 226670.
Epidermolysis bullosa simplex 5C, with pyloric atresia (EBS5C). Also called: Epidermolysis bullosa simplex with pyloric atresia; PLEC-Related Epidermolysis Bullosa with Pyloric Atresia; PLEC1-Related Epidermolysis Bullosa with Pyloric Atresia. Identifiers: Orphanet 158684, MedGen C2677349, MONDO:0012807, OMIM 612138.
Autosomal recessive limb-girdle muscular dystrophy type 2Q (LGMDR17). Also called: MUSCULAR DYSTROPHY, LIMB-GIRDLE, AUTOSOMAL RECESSIVE 17. Identifiers: Orphanet 254361, MedGen C3150989, MONDO:0013390, OMIM 613723.
Epidermolysis bullosa simplex with nail dystrophy (EBS5D). Identifiers: MedGen C4225309, MONDO:0014661, OMIM 616487.
Epidermolysis bullosa simplex, Ogna type (EBS5A). Also called: Pidermolysis bullosa simplex 5A, Ogna type; EPIDERMOLYSIS BULLOSA SIMPLEX 5A, OGNA TYPE. Identifiers: Orphanet 79401, MedGen C0432317, MONDO:0007555, OMIM 131950.
Inborn genetic diseases. Identifiers: MedGen C0950123, MeSH D030342.

Allele frequency attached by ClinVar (database versions not stated): TOPMed 0.00001; gnomAD 0.00002 and 0.00003; gnomAD exomes 0.00002 and 0.00003; ExAC 0.00006.
gnomAD v4.1: 35 of 1,592,876 alleles (0.0022%); highest among the groups gnomAD compares: South Asian, 0.013%; no homozygotes.

Submissions (3):

Labcorp Genetics (formerly Invitae), Labcorp
Classification: Uncertain significance for Autosomal recessive limb-girdle muscular dystrophy type 2Q; Epidermolysis bullosa simplex, Ogna type; Epidermolysis bullosa simplex with nail dystrophy; Epidermolysis bullosa simplex 5C, with pyloric atresia; Epidermolysis bullosa simplex 5B, with muscular dystrophy. Last evaluated: 2023-07-13. Review status: criteria provided, single submitter. Criteria: Invitae Variant Classification Sherloc (09022015). Collection method: clinical testing. Allele origin: germline.
Comment: This variant has not been reported in the literature in individuals affected with PLEC-related conditions. This sequence change replaces valine, which is neutral and non-polar, with methionine, which is neutral and non-polar, at codon 3179 of the PLEC protein (p.Val3179Met). This variant is present in population databases (rs781854050, gnomAD 0.02%). ClinVar contains an entry for this variant (Variation ID: 1047462). An algorithm developed to predict the effect of missense changes on protein structure and function (PolyPhen-2) suggests that this variant is likely to be disruptive. In summary, the available evidence is currently insufficient to determine the role of this variant in disease. Therefore, it has been classified as a Variant of Uncertain Significance.

Neuberg Centre For Genomic Medicine, NCGM
Classification: Uncertain significance for Epidermolysis bullosa simplex 5C, with pyloric atresia. Last evaluated: 2023-05-20. Review status: criteria provided, single submitter. Criteria: ACMG Guidelines, 2015. Collection method: clinical testing. Allele origin: germline. Inheritance: Autosomal recessive inheritance. Affected: yes.
Comment: The observed missense variant c.9454G>A(p.Val3152Met) in PLEC gene has not been reported previously as a pathogenic variant nor as a benign variant, to our knowledge. The c.9454G>A variant has 0.003% allele frequency in gnomAD Exomes. This variant has been submitted to the ClinVar database as Uncertain Significance. However, no details are available for independent assessment.The amino acid Valine at position 3152 is changed to a Methionine changing protein sequence and it might alter its composition and physico-chemical properties. Computational evidence (Polyphen-Benign, SIFT-damaging and Mutation Taster-disease causing) predicts conflicting evidence on protein structure and function for this variant.The reference amino acid p.Val3152Met in PLEC is predicted as conserved by GERP++ and PhyloP across 100 vertebrates. For these reasons, this variant has been classified as Uncertain Significance.

Ambry Genetics
Classification: Uncertain significance for Inborn genetic diseases. Last evaluated: 2023-03-29. Review status: criteria provided, single submitter. Criteria: Ambry Variant Classification Scheme 2023. Collection method: clinical testing. Allele origin: germline.